The following is an entry in ClinVar:

NM_024757.5(EHMT1):c.647C>T (p.Ala216Val)

Gene: EHMT1 (euchromatic histone lysine methyltransferase 1; plus strand). Cytogenetic location: 9q34.3.
Variant type: single nucleotide variant.
Coding change: c.647C>T on transcript NM_024757.5 (MANE Select); coding-DNA position 647, C replaced by T.
Protein change: p.Ala216Val; replaces alanine 216 with valine.
Molecular consequence: missense variant.
Genome position (GRCh38, 1-based): chr9:137,728,353, C>T. VCF-style: chr9-137728353-C-T. GRCh37 (hg19) VCF-style: chr9-140622805-C-T.
Other names: c.647C>T, p.Ala216Val (NM_001145527.2, NM_001354263.2, NM_001354611.2); c.554C>T, p.Ala185Val (NM_001354259.2, NM_001354612.2); short protein forms A185V, A216V.
Identifiers: ClinVar variation 1055544 (VCV001055544.9), dbSNP rs1273782554, ClinGen allele CA375771556.
Genomic context (GRCh38, chr9:137,728,353, plus strand): 5'-ATTTCAGTGACCACCTGCTTATGCAGTTATAGTTATTCACTGTCTTTGTTTTGAAGCATG[C>T]AGCCAGTAAAGATCCCAGAGAAGTTCGAGAAGCTAGAGATCATAAGGAACCAAAAGAGGA-3'
Protein context (NP_079033.4, residues 206-226): TMPKSVVGLH[Ala216Val]ASKDPREVRE

ClinVar aggregate classification (germline): Uncertain significance (1 of 4 stars; one submission).

Conditions:
Kleefstra syndrome 1 (KLEFS1). Identifiers: Orphanet 261494, MedGen C0795833, MONDO:0027407, OMIM 610253.

Allele frequency attached by ClinVar (database versions not stated): gnomAD exomes below 0.00001.
gnomAD v4.1: 1 of 1,614,178 alleles (0.000062%); highest among the groups gnomAD compares: Non-Finnish European, 0.000085%; no homozygotes.

Submission:

Labcorp Genetics (formerly Invitae), Labcorp
Classification: Uncertain significance for Kleefstra syndrome 1. Last evaluated: 2024-02-22. Review status: criteria provided, single submitter. Criteria: Invitae Variant Classification Sherloc (09022015). Collection method: clinical testing. Allele origin: germline.
Comment: This sequence change replaces alanine, which is neutral and non-polar, with valine, which is neutral and non-polar, at codon 216 of the EHMT1 protein (p.Ala216Val). This variant is present in population databases (no rsID available, gnomAD 0.0009%). This variant has not been reported in the literature in individuals affected with EHMT1-related conditions. ClinVar contains an entry for this variant (Variation ID: 1055544). Advanced modeling of protein sequence and biophysical properties (such as structural, functional, and spatial information, amino acid conservation, physicochemical variation, residue mobility, and thermodynamic stability) performed at Invitae indicates that this missense variant is not expected to disrupt EHMT1 protein function with a negative predictive value of 80%. In summary, the available evidence is currently insufficient to determine the role of this variant in disease. Therefore, it has been classified as a Variant of Uncertain Significance.